The following is an entry in ClinVar:

NM_018685.5(ANLN):c.2527A>G (p.Met843Val)

Gene: ANLN (anillin, actin binding protein; plus strand). Cytogenetic location: 7p14.2.
Variant type: single nucleotide variant.
Coding change: c.2527A>G on transcript NM_018685.5 (MANE Select); coding-DNA position 2527, A replaced by G.
Protein change: p.Met843Val; replaces methionine 843 with valine.
Molecular consequence: missense variant.
Genome position (GRCh38, 1-based): chr7:36,423,867, A>G. VCF-style: chr7-36423867-A-G. GRCh37 (hg19) VCF-style: chr7-36463476-A-G.
Other names: c.2416A>G, p.Met806Val (NM_001284301.3); c.2413A>G, p.Met805Val (NM_001284302.3); short protein forms M806V, M805V, M843V.
Identifiers: ClinVar variation 1491376 (VCV001491376.8), dbSNP rs2116680557, ClinGen allele CA367214101.

ClinVar aggregate classification (germline): Uncertain significance (1 of 4 stars; one submission).

Allele frequency attached by ClinVar (database versions not stated): gnomAD exomes below 0.00001.
gnomAD v4.1: 1 of 1,612,636 alleles (0.000062%); highest among the groups gnomAD compares: Non-Finnish European, 0.000085%; no homozygotes.

Submission:

Labcorp Genetics (formerly Invitae), Labcorp
Classification: Uncertain significance. Last evaluated: 2024-10-23. Review status: criteria provided, single submitter. Criteria: Invitae Variant Classification Sherloc (09022015). Collection method: clinical testing. Allele origin: germline.
Comment: This sequence change replaces methionine, which is neutral and non-polar, with valine, which is neutral and non-polar, at codon 843 of the ANLN protein (p.Met843Val). This variant is not present in population databases (gnomAD no frequency). This variant has not been reported in the literature in individuals affected with ANLN-related conditions. ClinVar contains an entry for this variant (Variation ID: 1491376). Invitae Evidence Modeling of protein sequence and biophysical properties (such as structural, functional, and spatial information, amino acid conservation, physicochemical variation, residue mobility, and thermodynamic stability) indicates that this missense variant is not expected to disrupt ANLN protein function with a negative predictive value of 80%. In summary, the available evidence is currently insufficient to determine the role of this variant in disease. Therefore, it has been classified as a Variant of Uncertain Significance.